The following is an entry in ClinVar:

NM_001017420.3(ESCO2):c.1438_1442del (p.Leu480fs)

Gene: ESCO2 (establishment of sister chromatid cohesion N-acetyltransferase 2; plus strand). Cytogenetic location: 8p21.1.
Variant type: Microsatellite.
Coding change: c.1438_1442del on transcript NM_001017420.3 (MANE Select); coding-DNA positions 1438 to 1442, 5 bases deleted (CTTTT; older notation c.1438_1442delCTTTT).
Protein change: p.Leu480fs; shifts the reading frame from leucine 480.
Molecular consequence: frameshift variant.
Genome position (GRCh38, 1-based): chr8:27,792,752-27,792,756, CTTTT deleted; deleting any 5 consecutive bases within chr8:27,792,747-27,792,756 gives the same sequence; the c. name uses the placement nearest the transcript's 3' end. VCF-style (leftmost placement, unchanged base first): chr8-27792746-ACTTTT-A. GRCh37 (hg19) VCF-style: chr8-27650263-ACTTTT-A.
Other names: c.1438_1442del (NM_001017420.2); c.1438_1442delCTTTT (NM_001017420.2); short protein forms L480fs.
Identifiers: ClinVar variation 545908 (VCV000545908.3), dbSNP rs1554556417, ClinGen allele CA658821471.

ClinVar aggregate classification (germline): Pathogenic/Likely pathogenic. Review status: criteria provided, multiple submitters, no conflicts (2 of 4 stars). 2 submissions from 2 submitters: Pathogenic (1); Likely pathogenic (1). Last evaluated 2024-05-22.

Conditions:
Roberts-SC phocomelia syndrome (RBS). Also called: Pseudothalidomide syndrome; Appelt-Gerken-Lenz syndrome; ESCO2 Spectrum Disorder; LONG BONE DEFICIENCIES ASSOCIATED WITH CLEFT LIP-PALATE; Hypomelia hypotrichosis facial hemangioma syndrome. Identifiers: Orphanet 3103, MedGen C0392475, MONDO:0100253, OMIM 268300.

Submissions (2):

Natera, Inc.
Classification: Likely pathogenic for Roberts syndrome. Last evaluated: 2024-05-22. Review status: criteria provided, single submitter. Criteria: Natera Variant Classification Schema (03/2026). Collection method: clinical testing. Allele origin: germline.
Comment: The c.1438_1442del variant in ESCO2 is a frameshift variant predicted to shift the reading frame beginning at codon 480 and leads to a stop codon 3 codons downstream. This variant is expected to result in nonsense mediated decay, truncation, or a dysfunctional protein product. This variant is rare in the general population with a frequency below the threshold expected for the associated phenotype(s). Given the available evidence, this variant is classified as Likely Pathogenic.

GeneDx
Classification: Pathogenic. Last evaluated: 2018-05-14. Review status: criteria provided, single submitter. Criteria: GeneDx Variant Classification (06012015). Collection method: clinical testing. Allele origin: germline. Affected: yes.
Comment: The c.1438_1442delCTTTT variant in the ESCO2 gene has not been reported previously as a pathogenic variant nor as a benign variant, to our knowledge. The c.1438_1442delCTTTT variant causes a frameshift starting with codon Leucine 480, changes this amino acid to a Tyrosine residue, and creates a premature Stop codon at position 3 of the new reading frame, denoted p.Leu480TyrfsX3. This variant is predicted to cause loss of normal protein function either through protein truncation or nonsense-mediated mRNA decay. The c.1438_1442delCTTTT variant is not observed in large population cohorts (Lek et al., 2016). We interpret c.1438_1442delCTTTT as a pathogenic variant.